The following is an entry in ClinVar:

NM_004924.6(ACTN4):c.1283G>A (p.Trp428Ter)

Gene: ACTN4 (actinin alpha 4; plus strand). Cytogenetic location: 19q13.2.
Variant type: single nucleotide variant.
Coding change: c.1283G>A on transcript NM_004924.6 (MANE Select); coding-DNA position 1283, G replaced by A.
Protein change: p.Trp428Ter; replaces tryptophan 428 with a stop codon.
Molecular consequence: nonsense.
Genome position (GRCh38, 1-based): chr19:38,718,066, G>A. VCF-style: chr19-38718066-G-A. GRCh37 (hg19) VCF-style: chr19-39208706-G-A.
Other names: c.1283G>A, p.Trp428Ter (NM_001322033.2); short protein forms W428*.
Identifiers: ClinVar variation 1698694 (VCV001698694.2), dbSNP rs2145065928, ClinGen allele CA405704997.
Genomic context (GRCh38, chr19:38,718,066, plus strand): 5'-TGGAGCGGCTCGACCACCTGGCAGAGAAGTTCCGGCAGAAGGCCTCCATCCACGAGGCCT[G>A]GACTGACGGTACGGCCCAGCTCTGCCCCACTCTGCCCAGCCCCGCTCCCGTGCTCCCCTC-3'

ClinVar aggregate classification (germline): drug response (0 of 4 stars; one submission).

Conditions:
Corticosteroids response. Also called: Corticosteroid response.

Submission:

Genetic Testing Lab, Ashok and Rita Patel Institute of Integrated Study and Research in Biotechnology and Allied Sciences
Classification: drug response for Corticosteroid response. Last evaluated: 2022-05-20. Review status: no assertion criteria provided. Collection method: research. Allele origin: somatic. Affected: yes. Observed: 37 variant alleles.
Comment: Depending upon patients response to standard corticosteroids therapy, they were classified to be either Steroid resistance(SRNS)(poor metabolizer) or steroid sensitive(SSNS)(likley responsive)